The following is an entry in ClinVar:

ClinVar aggregate classification (germline): Uncertain significance (1 of 4 stars; one submission).

Allele frequency attached by ClinVar (database versions not stated): TOPMed below 0.00001.
gnomAD v4.1: 1 of 1,613,912 alleles (0.000062%); highest among the groups gnomAD compares: Non-Finnish European, 0.000085%; no homozygotes.

Submission:

GeneDx
Classification: Uncertain significance. Last evaluated: 2019-11-07. Review status: criteria provided, single submitter. Criteria: GeneDx Variant Classification Process June 2021. Collection method: clinical testing. Allele origin: germline. Affected: yes.
Comment: Not observed in large population cohorts (Lek et al., 2016); In silico analysis, which includes protein predictors and evolutionary conservation, supports a deleterious effect; Has not been previously published as pathogenic or benign to our knowledge

NM_001170629.2(CHD8):c.5711C>T (p.Pro1904Leu)

Gene: CHD8 (chromodomain helicase DNA binding protein 8; minus strand). Cytogenetic location: 14q11.2.
Variant type: single nucleotide variant.
Coding change: c.5711C>T on transcript NM_001170629.2 (MANE Select); coding-DNA position 5711, C replaced by T.
Protein change: p.Pro1904Leu; replaces proline 1904 with leucine.
Molecular consequence: missense variant.
Genome position (GRCh38, 1-based): chr14:21,394,084, G>A on the plus strand (C>T on the coding strand, the complement: CHD8 is on the minus strand). VCF-style: chr14-21394084-G-A. GRCh37 (hg19) VCF-style: chr14-21862243-G-A.
Other names: c.4874C>T, p.Pro1625Leu (NM_020920.4); short protein forms P1625L, P1904L.
Identifiers: ClinVar variation 1309806 (VCV001309806.2), dbSNP rs750353323, ClinGen allele CA388882080.